The following is an entry in ClinVar:

NM_145068.4(TRPV3):c.332A>G (p.Glu111Gly)

Gene: TRPV3 (transient receptor potential cation channel subfamily V member 3; minus strand). Cytogenetic location: 17p13.2.
Variant type: single nucleotide variant.
Coding change: c.332A>G on transcript NM_145068.4 (MANE Select); coding-DNA position 332, A replaced by G.
Protein change: p.Glu111Gly; replaces glutamic acid 111 with glycine.
Molecular consequence: missense variant.
Genome position (GRCh38, 1-based): chr17:3,543,608, T>C on the plus strand (A>G on the coding strand, the complement: TRPV3 is on the minus strand). VCF-style: chr17-3543608-T-C. GRCh37 (hg19) VCF-style: chr17-3446902-T-C.
Other names: c.332A>G, p.Glu111Gly (NM_001258205.2); short protein forms E111G.
Identifiers: ClinVar variation 4883312 (VCV004883312.2).

ClinVar aggregate classification (germline): Uncertain significance (1 of 4 stars; one submission).

gnomAD v4.1: 1 of 1,614,032 alleles (0.000062%); highest among the groups gnomAD compares: African/African-American, 0.0013%; no homozygotes.

Submission:

Dasa
Classification: Uncertain significance. Last evaluated: 2025-11-19. Review status: criteria provided, single submitter. Criteria: DASA Assertion Criteria. Collection method: clinical testing. Allele origin: germline.
Comment: NM_145068.4(TRPV3):c.332A>G (p.Glu111Gly) is a missense variant that results in the substitution of glutamic acid with glycine. This variant is rare in population databases. The currently available literature and clinical evidence are not sufficient to establish a definitive association between this variant and the reported condition. Therefore, this variant is classified as a variant of uncertain significance.